The following is an entry in ClinVar:

NM_001127217.3(SMAD9):c.686del (p.Leu229fs)

Gene: SMAD9 (SMAD family member 9; minus strand). Cytogenetic location: 13q13.3.
Variant type: Deletion.
Coding change: c.686del on transcript NM_001127217.3 (MANE Select); coding-DNA position 686, one base deleted (T; older notation c.686delT).
Protein change: p.Leu229fs; shifts the reading frame from leucine 229.
Molecular consequence: frameshift variant. On other transcripts: intron variant (2).
Genome position (GRCh38, 1-based): chr13:36,867,368, A deleted on the plus strand (T on the coding strand, the reverse complement: SMAD9 is on the minus strand). VCF-style (leftmost placement, unchanged base first): chr13-36867367-CA-C. GRCh37 (hg19) VCF-style: chr13-37441504-CA-C.
Other names: c.671-1610del (NM_005905.6, NM_001378621.1); short protein forms L229fs.
Identifiers: ClinVar variation 2792531 (VCV002792531.3), dbSNP rs1162780893, ClinGen allele CA697751531.
Genomic context (GRCh38, chr13:36,867,367, plus strand): 5'-AGCTGTGGCATCTACAGGTTGGCCACTCTGGGTCTCAGAGGCTTCTGTGGCATGATAAGG[CA>C]GGGGTGGTGTGTCAACTAAAAGAAAGCAGTAGAACAAAGGAATTGTCAAATCGATAAACC-3'

ClinVar aggregate classification (germline): Pathogenic (1 of 4 stars; one submission).

Conditions:
Pulmonary hypertension, primary, 2. Identifiers: Orphanet 422, MedGen C3888002, MONDO:0014134, OMIM 615342.

Allele frequency attached by ClinVar (database versions not stated): gnomAD exomes 0.00001.

Submission:

Labcorp Genetics (formerly Invitae), Labcorp
Classification: Pathogenic for Pulmonary hypertension, primary, 2. Last evaluated: 2023-03-12. Review status: criteria provided, single submitter. Criteria: Invitae Variant Classification Sherloc (09022015). Collection method: clinical testing. Allele origin: germline.
Comment: For these reasons, this variant has been classified as Pathogenic. This variant has not been reported in the literature in individuals affected with SMAD9-related conditions. This variant is not present in population databases (gnomAD no frequency). This sequence change creates a premature translational stop signal (p.Leu229Argfs*17) in the SMAD9 gene. It is expected to result in an absent or disrupted protein product. Loss-of-function variants in SMAD9 are known to be pathogenic (PMID: 19419974, 31727138).

Literature cited by the submitters: PubMed 19419974; PubMed 31727138.